The following is an entry in ClinVar:

NM_001388492.1(HTT):c.8141G>A (p.Arg2714His)

Gene: HTT (huntingtin; plus strand). Cytogenetic location: 4p16.3.
Variant type: single nucleotide variant.
Coding change: c.8141G>A on transcript NM_001388492.1 (MANE Select); coding-DNA position 8141, G replaced by A.
Protein change: p.Arg2714His; replaces arginine 2714 with histidine.
Molecular consequence: missense variant.
Genome position (GRCh38, 1-based): chr4:3,229,918, G>A. VCF-style: chr4-3229918-G-A. GRCh37 (hg19) VCF-style: chr4-3231645-G-A.
Other names: c.8147G>A, p.Arg2716His (NM_002111.8); short protein forms R2714H, R2716H.
Identifiers: ClinVar variation 4821872 (VCV004821872.4).

ClinVar aggregate classification (germline): Uncertain significance (1 of 4 stars; one submission).

gnomAD v4.1: 21 of 1,614,010 alleles (0.0013%); highest among the groups gnomAD compares: African/African-American, 0.008%; no homozygotes.

Submission:

CeGaT Center for Human Genetics Tuebingen
Classification: Uncertain significance. Last evaluated: 2026-03-01. Review status: criteria provided, single submitter. Criteria: CeGaT Center For Human Genetics Tuebingen Variant Classification Criteria Version 2. Collection method: clinical testing. Allele origin: germline. Affected: yes. Observed: 1 variant allele.
Comment: HTT: PM2